The following is an entry in ClinVar:

NM_004006.3(DMD):c.931G>T (p.Asp311Tyr)

Gene: DMD (dystrophin; minus strand). Cytogenetic location: Xp21.1.
Variant type: single nucleotide variant.
Coding change: c.931G>T on transcript NM_004006.3 (MANE Select); coding-DNA position 931, G replaced by T.
Protein change: p.Asp311Tyr; replaces aspartic acid 311 with tyrosine.
Molecular consequence: missense variant.
Genome position (GRCh38, 1-based): chrX:32,697,899, C>A on the plus strand (G>T on the coding strand, the complement: DMD is on the minus strand). VCF-style: chrX-32697899-C-A. GRCh37 (hg19) VCF-style: chrX-32716016-C-A.
Other names: c.907G>T, p.Asp303Tyr (NM_000109.4); c.919G>T, p.Asp307Tyr (NM_004009.3); c.562G>T, p.Asp188Tyr (NM_004010.3); short protein forms D311Y, D188Y, D303Y, D307Y.
Identifiers: ClinVar variation 4800992 (VCV004800992.1).
Genomic context (GRCh38, chrX:32,697,899, plus strand): 5'-TTTGTACAACAGAGAGTAAATGTTGACAGACCTGTGAAGGAAATGGGCTCCGTGTAGGGT[C>A]AGAGGTGGTGACATAAGCAGCCTGTGTGTAGGCATAGCTCTTGAATCGAGGCTTAGGGGA-3'
Protein context (NP_003997.2, residues 301-321): YTQAAYVTTS[Asp311Tyr]PTRSPFPSQH

ClinVar aggregate classification (germline): Uncertain significance (1 of 4 stars; one submission).

Conditions:
Duchenne muscular dystrophy (DMD). Also called: Duchenne Muscular Dystrophy (DMD); MUSCULAR DYSTROPHY, PSEUDOHYPERTROPHIC PROGRESSIVE, DUCHENNE TYPE. Identifiers: Orphanet 98896, MedGen C0013264, MONDO:0010679, OMIM 310200.

Submission:

Labcorp Genetics (formerly Invitae), Labcorp
Classification: Uncertain significance for Duchenne muscular dystrophy. Last evaluated: 2025-04-25. Review status: criteria provided, single submitter. Criteria: Invitae Variant Classification Sherloc (09022015). Collection method: clinical testing. Allele origin: germline.
Comment: This sequence change replaces aspartic acid, which is acidic and polar, with tyrosine, which is neutral and polar, at codon 311 of the DMD protein (p.Asp311Tyr). This variant is not present in population databases (gnomAD no frequency). This variant has not been reported in the literature in individuals affected with DMD-related conditions. Invitae Evidence Modeling of protein sequence and biophysical properties (such as structural, functional, and spatial information, amino acid conservation, physicochemical variation, residue mobility, and thermodynamic stability) indicates that this missense variant is not expected to disrupt DMD protein function with a negative predictive value of 95%. Algorithms developed to predict the effect of sequence changes on RNA splicing suggest that this variant may disrupt the consensus splice site. In summary, the available evidence is currently insufficient to determine the role of this variant in disease. Therefore, it has been classified as a Variant of Uncertain Significance.